The following is an entry in ClinVar:

NM_001020658.2(PUM1):c.1414_1443del (p.Ser472_Ala481del)

Gene: PUM1 (pumilio RNA binding family member 1; minus strand). Cytogenetic location: 1p35.2.
Variant type: Deletion.
Coding change: c.1414_1443del on transcript NM_001020658.2 (MANE Select); coding-DNA positions 1414 to 1443, 30 bases deleted (AGTCTTTTCCAGCAGCAAGCTGCCGCTGCC).
Protein change: p.Ser472_Ala481del.
Molecular consequence: inframe deletion.
Genome position (GRCh38, 1-based): chr1:30,974,714-30,974,743, GGCAGCGGCAGCTTGCTGCTGGAAAAGACT deleted on the plus strand (AGTCTTTTCCAGCAGCAAGCTGCCGCTGCC on the coding strand, the reverse complement: PUM1 is on the minus strand); deleting any 30 consecutive bases within chr1:30,974,714-30,974,748 gives the same sequence; the c. name uses the placement nearest the transcript's 3' end. VCF-style (leftmost placement, unchanged base first): chr1-30974713-CGGCAGCGGCAGCTTGCTGCTGGAAAAGACT-C. GRCh37 (hg19) VCF-style: chr1-31447560-CGGCAGCGGCAGCTTGCTGCTGGAAAAGACT-C.
Other names: c.1414_1443del, p.Ser472_Ala481del (NM_014676.3).
Identifiers: ClinVar variation 1806827 (VCV001806827.1), dbSNP rs2521661147, ClinGen allele CA2580062680.

ClinVar aggregate classification (germline): Uncertain significance (1 of 4 stars; one submission).

Submission:

GeneDx
Classification: Uncertain significance. Last evaluated: 2022-06-20. Review status: criteria provided, single submitter. Criteria: GeneDx Variant Classification Process June 2021. Collection method: clinical testing. Allele origin: germline. Affected: yes.
Comment: Not observed at significant frequency in large population cohorts (gnomAD); In-frame deletion of 10 amino acids in a non-repeat region; Has not been previously published as pathogenic or benign to our knowledge